The following is an entry in ClinVar:

ClinVar aggregate classification (germline): Uncertain significance (1 of 4 stars; one submission).

Conditions:
Combined immunodeficiency due to ORAI1 deficiency. Also called: IMMUNODEFICIENCY 9. Identifiers: Orphanet 169090, Orphanet 317428, MedGen C2748568, MONDO:0013007, OMIM 612782.
Myopathy, tubular aggregate, 2 (TAM2). Identifiers: MedGen C4014557, MONDO:0014383, OMIM 615883.

Submission:

Labcorp Genetics (formerly Invitae), Labcorp
Classification: Uncertain significance for Myopathy, tubular aggregate, 2; Combined immunodeficiency due to ORAI1 deficiency. Last evaluated: 2025-04-23. Review status: criteria provided, single submitter. Criteria: Invitae Variant Classification Sherloc (09022015). Collection method: clinical testing. Allele origin: germline.
Comment: This variant, c.76_84del, results in the deletion of 3 amino acid(s) of the ORAI1 protein (p.Gly26_Arg28del), but otherwise preserves the integrity of the reading frame. This variant is not present in population databases (gnomAD no frequency). This variant has not been reported in the literature in individuals affected with ORAI1-related conditions. Experimental studies and prediction algorithms are not available or were not evaluated, and the functional significance of this variant is currently unknown. In summary, the available evidence is currently insufficient to determine the role of this variant in disease. Therefore, it has been classified as a Variant of Uncertain Significance.

NR_186857.1(ORAI1):n.289_297del

Genes: ORAI1 (ORAI calcium release-activated calcium modulator 1; plus strand), LOC130008987 (ATAC-STARR-seq lymphoblastoid silent region 4981; plus strand). Cytogenetic location: 12q24.31.
Variant type: Deletion.
Molecular consequence: non-coding transcript variant (on NR_186857.1).
Genome position: GRCh38 VCF-style: chr12-121626815-AGCGGCAGCC-A. GRCh37 (hg19) VCF-style: chr12-122064720-AGCGGCAGCC-A.
Identifiers: ClinVar variation 4784761 (VCV004784761.1).